The following is an entry in ClinVar:

ClinVar aggregate classification (germline): Uncertain significance (1 of 4 stars; one submission).

Allele frequency attached by ClinVar (database versions not stated): gnomAD exomes below 0.00001.

Submission:

GeneDx
Classification: Uncertain significance. Last evaluated: 2022-04-28. Review status: criteria provided, single submitter. Criteria: GeneDx Variant Classification Process June 2021. Collection method: clinical testing. Allele origin: germline. Affected: yes.
Comment: Not observed at significant frequency in large population cohorts (gnomAD); In silico analysis supports that this variant does not alter splicing; Has not been previously published as pathogenic or benign to our knowledge

NM_001242896.3(DEPDC5):c.1143+4A>G

Gene: DEPDC5 (DEP domain containing 5, GATOR1 subcomplex subunit; plus strand). Cytogenetic location: 22q12.3.
Variant type: single nucleotide variant.
Coding change: c.1143+4A>G on transcript NM_001242896.3 (MANE Select); 4 bases into the intron after coding-DNA position 1143, A replaced by G.
Molecular consequence: intron variant.
Genome position (GRCh38, 1-based): chr22:31,804,227, A>G. VCF-style: chr22-31804227-A-G. GRCh37 (hg19) VCF-style: chr22-32200213-A-G.
Other names: c.1143+4A>G (NM_001364318.2, NM_001136029.4, NM_014662.6 and 7 more transcripts); c.1059+4A>G (NM_001369902.1, NM_001369901.1).
Identifiers: ClinVar variation 1723018 (VCV001723018.2), dbSNP rs2518915370, ClinGen allele CA2580099647.
Genomic context (GRCh38, chr22:31,804,227, plus strand): 5'-GGTGTGGATTTGGTGTGCATGGGAGAGCAACCGTTACATGCTGTCCCATTGTTCAAGGTA[A>G]TTAGATTTCGGATTTGTTTACTAAAGGCCAGTTGGAGTATAGTTAGAAAGAGAAAAATTC-3'